The following is an entry in ClinVar:

NM_000257.4(MYH7):c.1478T>C (p.Met493Thr)

Gene: MYH7 (myosin heavy chain 7; minus strand). Cytogenetic location: 14q11.2.
Variant type: single nucleotide variant.
Coding change: c.1478T>C on transcript NM_000257.4 (MANE Select); coding-DNA position 1478, T replaced by C.
Protein change: p.Met493Thr; replaces methionine 493 with threonine.
Molecular consequence: missense variant.
Genome position (GRCh38, 1-based): chr14:23,428,600, A>G on the plus strand (T>C on the coding strand, the complement: MYH7 is on the minus strand). VCF-style: chr14-23428600-A-G. GRCh37 (hg19) VCF-style: chr14-23897809-A-G.
Other names: c.1478T>C, p.Met493Thr (NM_001407004.1); short protein forms M493T.
Identifiers: ClinVar variation 1706427 (VCV001706427.3), dbSNP rs786205905, ClinGen allele CA389050507.

ClinVar aggregate classification (germline): Conflicting classifications of pathogenicity. Review status: criteria provided, conflicting classifications (1 of 4 stars). 2 submissions from 2 submitters: Likely pathogenic (1); Uncertain significance (1). Last evaluated 2024-08-13.

Conditions:
Cardiomyopathy (CMYO). Also called: Cardiomyopathies. Identifiers: Orphanet 167848, MedGen C0878544, MONDO:0004994, HP:0001638. Inheritance: Various modes of inheritance.

Submissions (2):

All of Us Research Program, National Institutes of Health
Classification: Uncertain significance for Cardiomyopathy. Last evaluated: 2024-08-13. Review status: criteria provided, single submitter. Criteria: ACMG Guidelines, 2015. Collection method: clinical testing. Allele origin: germline. Inheritance: Autosomal dominant inheritance. Observed: 1 variant allele, 1 heterozygote.
Comment: This missense variant replaces methionine with threonine at codon 493 of the MYH7 protein. Computational prediction tools indicate that this variant has a deleterious impact on protein structure and function. This variant is found within a highly conserved region of the myosin head domain. Missense variants in this region have been shown to be significantly overrepresented in individuals with affected with hypertrophic cardiomyopathy (PMID: 27532257). To our knowledge, functional studies have not been reported for this variant. This variant has not been reported in individuals affected with MYH7-related disorders in the literature. This variant has not been identified in the general population by the Genome Aggregation Database (gnomAD). The available evidence is insufficient to determine the role of this variant in disease conclusively. Therefore, this variant is classified as a Variant of Uncertain Significance.

This study involves interpretation of variants in research participants for the purpose of population health screening. Participant phenotype was not available at the time of variant classification. Additional details can be found in publication PMID: 35346344, PMCID: PMC8962531

GeneDx
Classification: Likely pathogenic. Last evaluated: 2022-07-26. Review status: criteria provided, single submitter. Criteria: GeneDx Variant Classification Process June 2021. Collection method: clinical testing. Allele origin: germline. Affected: yes.
Comment: Has not been previously published as pathogenic or benign to our knowledge; Not observed at significant frequency in large population cohorts (gnomAD); In silico analysis supports that this missense variant has a deleterious effect on protein structure/function; This variant is associated with the following publications: (PMID: 27532257, 29300372)

Literature cited by the submitters: PubMed 27532257 (cited by All of Us Research Program, National Institutes of Health).